The following is an entry in ClinVar:

ClinVar aggregate classification (germline): Likely benign (1 of 4 stars; one submission).

Allele frequency attached by ClinVar (database versions not stated): 1000 Genomes Project 0.00220; 1000 Genomes Project 30x 0.00234; ESP Exome Variant Server 0.00484; TOPMed 0.00556.
gnomAD v4.1: 10,105 of 1,611,118 alleles (0.63%); highest among the groups gnomAD compares: Non-Finnish European, 0.72%; 114 homozygotes.

Submission:

CeGaT Center for Human Genetics Tuebingen
Classification: Likely benign. Last evaluated: 2025-01-01. Review status: criteria provided, single submitter. Criteria: CeGaT Center For Human Genetics Tuebingen Variant Classification Criteria Version 2. Collection method: clinical testing. Allele origin: germline. Affected: yes. Observed: 2 variant alleles.
Comment: CYP2A6: BP4, BP7, BS2

NM_000762.6(CYP2A6):c.1209T>C (p.Ser403=)

Gene: CYP2A6 (cytochrome P450 family 2 subfamily A member 6; minus strand). Cytogenetic location: 19q13.2.
Variant type: single nucleotide variant.
Coding change: c.1209T>C on transcript NM_000762.6 (MANE Select); coding-DNA position 1209, T replaced by C.
Protein change: p.Ser403=; no amino-acid change (serine 403 retained).
Molecular consequence: synonymous variant.
Genome position (GRCh38, 1-based): chr19:40,844,725, A>G on the plus strand (T>C on the coding strand, the complement: CYP2A6 is on the minus strand). VCF-style: chr19-40844725-A-G. GRCh37 (hg19) VCF-style: chr19-41350630-A-G.
Identifiers: ClinVar variation 2649913 (VCV002649913.24), dbSNP rs56314118, ClinGen allele CA9452670.
Genomic context (GRCh38, chr19:40,844,725, plus strand): 5'-AAACTGCCCCTTCTCATTCAGGAAGTGCTGGGGATTGAAGTCCTGGGGGTTGGAGAAGAA[A>G]CTGGGGTCTCTCAGCACAGAGCCCAGCATAGGGTACACTTCGGTGCCCTGGTAGGGAGGA-3'
Protein context (NP_000753.3, residues 393-413): PMLGSVLRDP[Ser403=]FFSNPQDFNP